The following is an entry in ClinVar:

ClinVar aggregate classification (germline): Conflicting classifications of pathogenicity. Review status: criteria provided, conflicting classifications (1 of 4 stars). 2 submissions from 2 submitters: Likely pathogenic (1); Uncertain significance (1). Last evaluated 2024-08-01.

Conditions:
Inborn genetic diseases. Identifiers: MedGen C0950123, MeSH D030342.
Juvenile nephropathic cystinosis. Also called: Intermediate Cystinosis; CYSTINOSIS, LATE-ONSET JUVENILE OR ADOLESCENT NEPHROPATHIC TYPE; Later-Onset (Juvenile) Cystinosis. Identifiers: Orphanet 213, Orphanet 411634, MedGen C0268626, MONDO:0009066, OMIM 219900.
Ocular cystinosis. Also called: Non-Nephropathic Cystinosis; Non-Nephropathic (Ocular) Cystinosis. Identifiers: Orphanet 213, Orphanet 411641, MedGen C2931013, MONDO:0009064, OMIM 219750.

Submissions (2):

Women's Health and Genetics/Laboratory Corporation of America, LabCorp
Classification: Uncertain significance. Last evaluated: 2024-08-01. Review status: criteria provided, single submitter. Criteria: LabCorp Variant Classification Summary - May 2015. Collection method: clinical testing. Allele origin: germline.
Comment: Variant summary: CTNS c.415T>C (p.Ser139Pro) results in a non-conservative amino acid change located in the Lysosomal cystine transporter (IPR005282) of the encoded protein sequence. Five of five in-silico tools predict a damaging effect of the variant on protein function. The variant was absent in 251492 control chromosomes. The available data on variant occurrences in the general population are insufficient to allow any conclusion about variant significance. To our knowledge, no occurrence of c.415T>C in individuals affected with Cystinosis and no experimental evidence demonstrating its impact on protein function have been reported. ClinVar contains an entry for this variant (Variation ID: 2024183). Based on the evidence outlined above, the variant was classified as uncertain significance.

Labcorp Genetics (formerly Invitae), Labcorp
Classification: Likely pathogenic for Inborn genetic diseases; Ocular cystinosis; Juvenile nephropathic cystinosis. Last evaluated: 2022-12-03. Review status: criteria provided, single submitter. Criteria: Invitae Variant Classification Sherloc (09022015). Collection method: clinical testing. Allele origin: germline.
Comment: In summary, the currently available evidence indicates that the variant is pathogenic, but additional data are needed to prove that conclusively. Therefore, this variant has been classified as Likely Pathogenic. This variant disrupts the p.Ser139 amino acid residue in CTNS. Other variant(s) that disrupt this residue have been determined to be pathogenic (PMID: 10556299, 15128704, 18178779, 19863563, 31074291). This suggests that this residue is clinically significant, and that variants that disrupt this residue are likely to be disease-causing. Advanced modeling of protein sequence and biophysical properties (such as structural, functional, and spatial information, amino acid conservation, physicochemical variation, residue mobility, and thermodynamic stability) performed at Invitae indicates that this missense variant is expected to disrupt CTNS protein function. This variant has not been reported in the literature in individuals affected with CTNS-related conditions. This variant is not present in population databases (gnomAD no frequency). This sequence change replaces serine, which is neutral and polar, with proline, which is neutral and non-polar, at codon 139 of the CTNS protein (p.Ser139Pro).

Literature cited by the submitters: PubMed 10556299 (cited by Labcorp Genetics (formerly Invitae), Labcorp); PubMed 15128704 (cited by Labcorp Genetics (formerly Invitae), Labcorp); PubMed 18178779 (cited by Labcorp Genetics (formerly Invitae), Labcorp); PubMed 19863563 (cited by Labcorp Genetics (formerly Invitae), Labcorp); PubMed 31074291 (cited by Labcorp Genetics (formerly Invitae), Labcorp).

NM_004937.3(CTNS):c.415T>C (p.Ser139Pro)

Genes: CTNS (cystinosin, lysosomal cystine transporter; plus strand), CTNS-AS1 (CTNS antisense RNA 1; minus strand). Cytogenetic location: 17p13.2.
Variant type: single nucleotide variant.
Coding change: c.415T>C on transcript NM_004937.3 (MANE Select); coding-DNA position 415, T replaced by C.
Protein change: p.Ser139Pro; replaces serine 139 with proline.
Molecular consequence: missense variant. On other transcripts: 5 prime UTR variant (4).
Genome position (GRCh38, 1-based): chr17:3,655,306, T>C. VCF-style: chr17-3655306-T-C. GRCh37 (hg19) VCF-style: chr17-3558600-T-C.
Other names: c.415T>C, p.Ser139Pro (NM_001031681.3, NM_001374492.1); c.-27T>C (NM_001374493.1, NM_001374494.1, NM_001374495.1 and 1 more transcripts); short protein forms S139P.
Identifiers: ClinVar variation 2024183 (VCV002024183.5), dbSNP rs2507745639, ClinGen allele CA397690753.